The following is an entry in ClinVar:

NM_000321.3(RB1):c.487A>G (p.Ser163Gly)

Gene: RB1 (RB transcriptional corepressor 1; plus strand). Cytogenetic location: 13q14.2.
Variant type: single nucleotide variant.
Coding change: c.487A>G on transcript NM_000321.3 (MANE Select); coding-DNA position 487, A replaced by G.
Protein change: p.Ser163Gly; replaces serine 163 with glycine.
Molecular consequence: missense variant.
Genome position (GRCh38, 1-based): chr13:48,345,186, A>G. VCF-style: chr13-48345186-A-G. GRCh37 (hg19) VCF-style: chr13-48919322-A-G.
Other names: c.487A>G, p.Ser163Gly (NM_001407165.1, NM_001407166.1); short protein forms S163G.
Identifiers: ClinVar variation 3073874 (VCV003073874.2), dbSNP rs2138087786, ClinGen allele CA388252831.

ClinVar aggregate classification (germline): Uncertain significance. Review status: criteria provided, multiple submitters, no conflicts (2 of 4 stars). 2 submissions from 2 submitters: Uncertain significance (2). Last evaluated 2025-03-22.

Conditions:
Hereditary cancer-predisposing syndrome. Also called: Neoplastic Syndromes, Hereditary; Tumor predisposition; Hereditary neoplastic syndrome; Hereditary Cancer Syndrome. Identifiers: Orphanet 140162, MedGen C0027672, MeSH D009386, MONDO:0015356.
Retinoblastoma (RB1). Also called: RETINOBLASTOMA, SOMATIC. Identifiers: Orphanet 790, MedGen C0035335, MeSH D012175, MONDO:0008380, OMIM 180200, HP:0009919. Disease mechanism: loss of function. Inheritance: Both sporadic and heritable forms are tested..

Submissions (2):

Ambry Genetics
Classification: Uncertain significance for Hereditary cancer-predisposing syndrome. Last evaluated: 2025-03-22. Review status: criteria provided, single submitter. Criteria: Ambry Variant Classification Scheme 2023. Collection method: clinical testing. Allele origin: germline.
Comment: The p.S163G variant (also known as c.487A>G), located in coding exon 4 of the RB1 gene, results from an A to G substitution at nucleotide position 487. The serine at codon 163 is replaced by glycine, an amino acid with similar properties. This amino acid position is conserved. In addition, this alteration is predicted to be tolerated by in silico analysis. Based on the available evidence, the clinical significance of this variant remains unclear.

All of Us Research Program, National Institutes of Health
Classification: Uncertain significance for Retinoblastoma. Last evaluated: 2023-11-30. Review status: criteria provided, single submitter. Criteria: ACMG Guidelines, 2015. Collection method: clinical testing. Allele origin: germline. Inheritance: Autosomal dominant inheritance. Observed: 1 variant allele, 1 heterozygote.
Comment: This study involves interpretation of variants in research participants for the purpose of population health screening. Participant phenotype was not available at the time of variant classification. Additional details can be found in publication PMID: 35346344, PMCID: PMC8962531